The following is an entry in ClinVar:

NR_003051.3(RMRP):n.-23_-12dup

Gene: RMRP (RNA component of mitochondrial RNA processing endoribonuclease; minus strand). Cytogenetic location: 9p13.3.
Variant type: Duplication.
Genome position: GRCh38 VCF-style: chr9-35658029-C-CTTCACAGAGTAG. GRCh37 (hg19) VCF-style: chr9-35658026-C-CTTCACAGAGTAG.
Identifiers: ClinVar variation 1371602 (VCV001371602.6), dbSNP rs781730798, ClinGen allele CA1123199967.

ClinVar aggregate classification (germline): Pathogenic/Likely pathogenic. Review status: criteria provided, multiple submitters, no conflicts (2 of 4 stars). 2 submissions from 2 submitters: Pathogenic (1); Likely pathogenic (1). Last evaluated 2025-05-14.

Conditions:
Metaphyseal chondrodysplasia, McKusick type (CHH). Also called: Cartilage-Hair Hypoplasia (CHH); Cartilage-hair hypoplasia. Identifiers: Orphanet 175, MedGen C0220748, MONDO:0009595, OMIM 250250.
Anauxetic dysplasia. Identifiers: Orphanet 93347, MedGen C1846796, MONDO:0011773.

Submissions (2):

Natera, Inc.
Classification: Likely pathogenic for Cartilage-hair hypoplasia. Last evaluated: 2025-05-14. Review status: criteria provided, single submitter. Criteria: Natera Variant Classification Schema (03/2026). Collection method: clinical testing. Allele origin: germline.
Comment: The n.-23_-12dup variant in RMRP is a duplication affecting the RMRP promoter region between the TATA box and the transcription initiation site. Other duplications and insertions just upstream of the transcription initiation site have been reported in individuals affected with cartilage-hair hypoplasia (PMID: 11207361, 17937437). This variant is rare in the general population with a frequency below the threshold expected for the associated phenotype(s). Given the available evidence, this variant is classified as Likely pathogenic.

Labcorp Genetics (formerly Invitae), Labcorp
Classification: Pathogenic for Anauxetic dysplasia. Last evaluated: 2024-02-09. Review status: criteria provided, single submitter. Criteria: Invitae Variant Classification Sherloc (09022015). Collection method: clinical testing. Allele origin: germline.
Comment: This variant occurs in the RMRP gene, which encodes an RNA molecule that does not result in a protein product. This variant is not present in population databases (gnomAD no frequency). While this particular variant has not been reported in the literature, it is located in the promoter region between the TATA box and the transcription initiation site, and other insertions and duplications immediately upstream of the coding sequence have been reported in individuals affected with cartilage-hair hypoplasia-anauxetic dysplasia (CHH-AD) spectrum disorders (PMID: 16244706, 11207361, 12107819). While functional studies for this variant have not been reported, experimental analyses using patient derived cells, as well as in vitro transfection studies, have shown that promoter insertions result in silencing of RMRP transcription and reduced expression of the gene product (PMID: 11207361, 16254002). For these reasons, this variant has been classified as Pathogenic.

Literature cited by the submitters: PubMed 11207361 (cited by Natera, Inc. and Labcorp Genetics (formerly Invitae), Labcorp); PubMed 17937437 (cited by Natera, Inc.); PubMed 16244706 (cited by Labcorp Genetics (formerly Invitae), Labcorp); PubMed 12107819 (cited by Labcorp Genetics (formerly Invitae), Labcorp); PubMed 16254002 (cited by Labcorp Genetics (formerly Invitae), Labcorp).